The following is an entry in ClinVar:

ClinVar aggregate classification (germline): Likely pathogenic. Review status: criteria provided, multiple submitters, no conflicts (2 of 4 stars). 3 submissions from 3 submitters: Likely pathogenic (2). 1 of the submissions does not count toward it. Last evaluated 2023-05-20.

Conditions:
Congenital contractures of the limbs and face, hypotonia, and developmental delay (CLIFAHDD). Identifiers: Orphanet 562528, MedGen C4225398, MONDO:0014556, OMIM 616266.

Submissions (3):

Neuberg Centre For Genomic Medicine, NCGM
Classification: Likely pathogenic for Congenital contractures of the limbs and face, hypotonia, and developmental delay. Last evaluated: 2023-05-20. Review status: criteria provided, single submitter. Criteria: ACMG Guidelines, 2015. Collection method: clinical testing. Allele origin: germline. Inheritance: Autosomal dominant inheritance. Affected: yes.
Comment: The missense c.1639A>G (p.Met547Val) variant in the NALCN gene which is located in a mutational hot spot has not been reported previously as a pathogenic variant nor as a benign variant, to our knowledge. A different amino acid change (p.Met547Thr) has been reported at the same position as likely pathogenic in Clinvar. The variant is absent in gnomAD Exomes. This variant has been reported to the ClinVar database as Likely Pathogenic/ Pathogenic. The amino acid Methionine at position 547 is changed to a Valine changing protein sequence and it might alter its composition and physico-chemical properties. Multiple lines of computational evidence (Polyphen - Possibly Damaging, SIFT - Damaging and MutationTaster - Disease causing) predict a damaging effect on protein structure and function for this variant. The amino acid change p.Met547Val in NALCN is predicted as conserved by GERP++ and PhyloP across 100 vertebrates. For these reasons, this variant has been classified as Likely Pathogenic.

3billion
Classification: Likely pathogenic for Congenital contractures of the limbs and face, hypotonia, and developmental delay. Last evaluated: 2022-01-03. Review status: criteria provided, single submitter. Criteria: ACMG Guidelines, 2015. Collection method: clinical testing. Allele origin: germline. Affected: yes. Observed: 1 heterozygote.
Comment: The variant has been previously reported as de novo in a similarly affected individual (SCV000494153.1, PS2_S). Same nucleotide change resulting in same amino acid change has been previously reported to be associated with NALCN related disorder (ClinVar ID: VCV000375369, PS1_P). In silico tool predictions suggest damaging effect of the variant on gene or gene product (REVEL: 0.876, PP3_P). A missense variant is a common mechanism associated with Congenital contractures of the limbs and face (PP2_P). It is not observed in the gnomAD v2.1.1 dataset (PM2_M). Therefore, this variant is classified as likely pathogenic according to the recommendation of ACMG/AMP guideline.

Lupski Lab, Baylor-Hopkins CMG, Baylor College of Medicine
Classification: Pathogenic for Congenital contractures of the limbs and face, hypotonia, and developmental delay. Review status: no assertion criteria provided. Collection method: research. Allele origin: de novo. Inheritance: Autosomal dominant inheritance. Affected: yes. Not counted in ClinVar's aggregate classification.

NM_052867.4(NALCN):c.1639A>G (p.Met547Val)

Gene: NALCN (sodium leak channel, non-selective; minus strand). Cytogenetic location: 13q33.1.
Variant type: single nucleotide variant.
Coding change: c.1639A>G on transcript NM_052867.4 (MANE Select); coding-DNA position 1639, A replaced by G.
Protein change: p.Met547Val; replaces methionine 547 with valine.
Molecular consequence: missense variant.
Genome position (GRCh38, 1-based): chr13:101,192,042, T>C on the plus strand (A>G on the coding strand, the complement: NALCN is on the minus strand). VCF-style: chr13-101192042-T-C. GRCh37 (hg19) VCF-style: chr13-101844393-T-C.
Other names: c.1639A>G, p.Met547Val (NM_001350748.2, NM_001350749.2); c.1552A>G, p.Met518Val (NM_001350750.2, NM_001350751.2); short protein forms M547V, M518V.
Identifiers: ClinVar variation 375369 (VCV000375369.3), dbSNP rs1057519432, ClinGen allele CA16044231.